The following is an entry in ClinVar:

NM_002691.4(POLD1):c.1578C>T (p.Leu526=)

Gene: POLD1 (DNA polymerase delta 1, catalytic subunit; plus strand). Cytogenetic location: 19q13.33.
Variant type: single nucleotide variant.
Coding change: c.1578C>T on transcript NM_002691.4 (MANE Select); coding-DNA position 1578, C replaced by T.
Protein change: p.Leu526=; no amino-acid change (leucine 526 retained).
Molecular consequence: synonymous variant. On other transcripts: non-coding transcript variant (1).
Genome position (GRCh38, 1-based): chr19:50,407,066, C>T. VCF-style: chr19-50407066-C-T. GRCh37 (hg19) VCF-style: chr19-50910323-C-T.
Other names: c.1578C>T (NM_002691.2); c.1578C>T, p.Leu526= (NM_001256849.1, NM_001308632.1).
Identifiers: ClinVar variation 469208 (VCV000469208.12), dbSNP rs1212558974, ClinGen allele CA508184016.
Genomic context (GRCh38, chr19:50,407,066, plus strand): 5'-CCGCCTGGCTGTGTACTGCCTGAAGGATGCCTACCTGCCACTGCGGCTGCTGGAGCGGCT[C>T]ATGGTGCTGGTGAACGCCGTGGAGATGGCGAGGGTCACTGGCGTGCCCCTCAGCTACCTG-3'
Protein context (NP_002682.2, residues 516-536): AYLPLRLLER[Leu526=]MVLVNAVEMA

ClinVar aggregate classification (germline): Benign/Likely benign. Review status: criteria provided, multiple submitters, no conflicts (2 of 4 stars). 3 submissions from 3 submitters: Benign (1); Likely benign (2). Last evaluated 2026-09-01.

Conditions:
POLD1-related polyposis and colorectal cancer syndrome (CRCS10). Also called: COLORECTAL CANCER, SUSCEPTIBILITY TO, ON CHROMOSOME 19q; Colorectal cancer, susceptibility to, 10; Colorectal cancer 10. Identifiers: Orphanet 220460, MedGen C2675481, MONDO:0012953, OMIM 612591.
Hereditary cancer-predisposing syndrome. Also called: Neoplastic Syndromes, Hereditary; Hereditary neoplastic syndrome; Hereditary Cancer Syndrome; Tumor predisposition. Identifiers: Orphanet 140162, MedGen C0027672, MeSH D009386, MONDO:0015356.

Submissions (3):

Ambry Genetics
Classification: Likely benign for Hereditary cancer-predisposing syndrome. Last evaluated: 2026-09-01. Review status: criteria provided, single submitter. Criteria: Ambry Variant Classification Scheme 2023. Collection method: clinical testing. Allele origin: germline.

Labcorp Genetics (formerly Invitae), Labcorp
Classification: Likely benign for POLD1-related polyposis and colorectal cancer syndrome. Last evaluated: 2025-04-08. Review status: criteria provided, single submitter. Criteria: Invitae Variant Classification Sherloc (09022015). Collection method: clinical testing. Allele origin: germline.

Myriad Genetics, Inc.
Classification: Benign for POLD1-related polyposis and colorectal cancer syndrome. Last evaluated: 2025-02-07. Review status: criteria provided, single submitter. Criteria: Myriad Autosomal Dominant, Autosomal Recessive and X-Linked Classification Criteria (2023). Collection method: clinical testing. Allele origin: unknown.
Comment: This variant is considered benign. This variant is a silent/synonymous amino acid change and it is not expected to impact splicing.